The following is an entry in ClinVar:

NM_152594.3(SPRED1):c.926T>C (p.Val309Ala)

Gene: SPRED1 (sprouty related EVH1 domain containing 1; plus strand). Cytogenetic location: 15q14.
Variant type: single nucleotide variant.
Coding change: c.926T>C on transcript NM_152594.3 (MANE Select); coding-DNA position 926, T replaced by C.
Protein change: p.Val309Ala; replaces valine 309 with alanine.
Molecular consequence: missense variant.
Genome position (GRCh38, 1-based): chr15:38,351,255, T>C. VCF-style: chr15-38351255-T-C. GRCh37 (hg19) VCF-style: chr15-38643456-T-C.
Other names: short protein forms V309A.
Identifiers: ClinVar variation 178134 (VCV000178134.42), dbSNP rs114636635, ClinGen allele CA181530.

ClinVar aggregate classification (germline): Conflicting classifications of pathogenicity. Review status: criteria provided, conflicting classifications (1 of 4 stars). 12 submissions from 12 submitters: Uncertain significance (1); Benign (5); Likely benign (5). 1 of the submissions does not count toward it. Last evaluated 2026-02-01.

Conditions:
Noonan syndrome and Noonan-related syndrome. Identifiers: Orphanet 98733, MedGen C5681679, MONDO:0020297.
Cardiovascular phenotype. Identifiers: MedGen CN230736.
Legius syndrome. Identifiers: Orphanet 137605, MedGen C1969623, MONDO:0012669, OMIM 611431. Disease mechanism: loss of function.

Allele frequency attached by ClinVar (database versions not stated): gnomAD exomes 0.00016 and 0.00048; ExAC 0.00067; TOPMed 0.00184; 1000 Genomes Project 30x 0.00187; gnomAD 0.00188 and 0.00204; 1000 Genomes Project 0.00200; ESP Exome Variant Server 0.00223.
gnomAD v4.1: 526 of 1,614,108 alleles (0.033%); highest among the groups gnomAD compares: African/African-American, 0.63%; 4 homozygotes.

Submissions (12):

Labcorp Genetics (formerly Invitae), Labcorp
Classification: Benign for Legius syndrome. Last evaluated: 2026-02-01. Review status: criteria provided, single submitter. Criteria: Invitae Variant Classification Sherloc (09022015). Collection method: clinical testing. Allele origin: germline.

ARUP Laboratories, Molecular Genetics and Genomics, ARUP Laboratories
Classification: Likely benign for Legius syndrome. Last evaluated: 2025-07-10. Review status: criteria provided, single submitter. Criteria: ARUP Molecular Germline Variant Investigation Process 2024. Collection method: clinical testing. Allele origin: germline.

CeGaT Center for Human Genetics Tuebingen
Classification: Likely benign. Last evaluated: 2024-10-01. Review status: criteria provided, single submitter. Criteria: CeGaT Center For Human Genetics Tuebingen Variant Classification Criteria Version 2. Collection method: clinical testing. Allele origin: germline. Affected: yes. Observed: 1 variant allele.
Comment: SPRED1: BS1

Blueprint Genetics
Classification: Likely benign. Last evaluated: 2024-04-03. Review status: criteria provided, single submitter. Criteria: ACMG Guidelines, 2015. Collection method: clinical testing. Allele origin: germline.

Ambry Genetics
Classification: Benign for Cardiovascular phenotype. Last evaluated: 2023-01-27. Review status: criteria provided, single submitter. Criteria: Ambry Variant Classification Scheme 2023. Collection method: clinical testing. Allele origin: germline.

Genome Diagnostics Laboratory, The Hospital for Sick Children
Classification: Benign for Noonan syndrome and Noonan-related syndrome. Last evaluated: 2021-04-26. Review status: criteria provided, single submitter. Criteria: ACMG Guidelines, 2015. Collection method: clinical testing. Allele origin: germline.

GeneDx
Classification: Likely benign. Last evaluated: 2021-04-15. Review status: criteria provided, single submitter. Criteria: GeneDx Variant Classification Process June 2021. Collection method: clinical testing. Allele origin: germline. Affected: yes.
Comment: This variant is associated with the following publications: (PMID: 21548021, 22753041)

Illumina Laboratory Services, Illumina
Classification: Benign for Legius syndrome. Last evaluated: 2017-10-15. Review status: criteria provided, single submitter. Criteria: ICSL Variant Classification Criteria 13 December 2019. Collection method: clinical testing. Allele origin: germline.
Comment: This variant was observed as part of a predisposition screen in an ostensibly healthy population. A literature search was performed for the gene, cDNA change, and amino acid change (where applicable). Publications were found based on this search. The evidence from the literature, in combination with allele frequency data from public databases where available, was sufficient to rule this variant out of causing disease. Therefore, this variant is classified as benign.

Women's Health and Genetics/Laboratory Corporation of America, LabCorp
Classification: Benign. Last evaluated: 2017-04-17. Review status: criteria provided, single submitter. Criteria: LabCorp Variant Classification Summary - May 2015. Collection method: clinical testing. Allele origin: germline.
Comment: Variant summary: The SPRED1 c.926T>C (p.Val309Ala) variant involves the alteration of a conserved nucleotide and is predicted to be benign by 3/5 in silico tools. This variant was found in 81/121216 control chromosomes from ExAC at a frequency of 0.0006682, which is approximately 267 times the estimated maximal expected allele frequency of a pathogenic SPRED1 variant (0.0000025), therefore this variant is likely a benign polymorphism. In addition, multiple clinical diagnostic laboratories/reputable databases have classified this variant as likely benign/benign and it is also classified as likely benign in a publication with an indication of benign functional outcome (Brems_2012). Taken together, this variant is classified as benign.

Center for Human Genetics, Inc
Classification: Uncertain significance for Legius syndrome. Last evaluated: 2016-11-01. Review status: criteria provided, single submitter. Criteria: ACMG Guidelines, 2015. Collection method: clinical testing. Allele origin: germline. Affected: yes.

Laboratory for Molecular Medicine, Mass General Brigham Personalized Medicine
Classification: Likely benign. Last evaluated: 2012-03-19. Review status: criteria provided, single submitter. Criteria: LMM Criteria. Collection method: clinical testing. Allele origin: germline. Observed: 2 variant alleles.
Comment: p.Val309Ala in Exon 07 of SPRED1: This variant is not expected to have clinical significance because it has been identified in 0.6% (21/3738) of African America n chromosomes from a broad population by the NHLBI Exome Sequencing Project (dbSNP rs114636635).

Clinical Molecular Genetics Laboratory, Johns Hopkins All Children's Hospital
Classification: Uncertain significance for Legius syndrome. Last evaluated: 2014-12-08. Review status: no assertion criteria provided. Collection method: clinical testing. Allele origin: germline. Affected: yes. Not counted in ClinVar's aggregate classification.

Literature cited by the submitters: PubMed 26350204 (cited by Ambry Genetics); PubMed 21548021 (cited by Illumina Laboratory Services, Illumina); PubMed 22753041 (cited by Illumina Laboratory Services, Illumina); PubMed 24334617 (cited by Illumina Laboratory Services, Illumina).